The following is an entry in ClinVar:

ClinVar aggregate classification (germline): Uncertain significance. Review status: criteria provided, multiple submitters, no conflicts (2 of 4 stars). 2 submissions from 2 submitters: Uncertain significance (2). Last evaluated 2024-05-15.

Conditions:
Inborn genetic diseases. Identifiers: MedGen C0950123, MeSH D030342.
Vanishing white matter disease. Also called: CACH syndrome; Childhood ataxia with diffuse central nervous system hypomyelination; Leukoencephalopathy with vanishing white matter; CACH/VWM syndrome; Cree leukoencehalopathy. Identifiers: Orphanet 135, Orphanet 99853, MedGen C1858991, MONDO:0800448.

Allele frequency attached by ClinVar (database versions not stated): TOPMed 0.00001; gnomAD 0.00002; 1000 Genomes Project 30x 0.00016; 1000 Genomes Project 0.00020.
gnomAD v4.1: 9 of 1,614,104 alleles (0.00056%); highest among the groups gnomAD compares: Admixed American, 0.0017%; no homozygotes.

Submissions (2):

Ambry Genetics
Classification: Uncertain significance for Inborn genetic diseases. Last evaluated: 2024-05-15. Review status: criteria provided, single submitter. Criteria: Ambry Variant Classification Scheme 2023. Collection method: clinical testing. Allele origin: germline.

MGZ Medical Genetics Center
Classification: Uncertain significance for Leukoencephalopathy with vanishing white matter 1. Last evaluated: 2022-04-13. Review status: criteria provided, single submitter. Criteria: ACMG Guidelines, 2015. Collection method: clinical testing. Allele origin: germline. Affected: yes. Observed: 1 variant allele.
Comment: ACMG criteria applied: PM2_SUP, PP3

NM_003907.3(EIF2B5):c.667C>T (p.Arg223Cys)

Gene: EIF2B5 (eukaryotic translation initiation factor 2B subunit epsilon; plus strand). Cytogenetic location: 3q27.1.
Variant type: single nucleotide variant.
Coding change: c.667C>T on transcript NM_003907.3 (MANE Select); coding-DNA position 667, C replaced by T.
Protein change: p.Arg223Cys; replaces arginine 223 with cysteine.
Molecular consequence: missense variant.
Genome position (GRCh38, 1-based): chr3:184,138,058, C>T. VCF-style: chr3-184138058-C-T. GRCh37 (hg19) VCF-style: chr3-183855846-C-T.
Other names: c.667C>T (NM_003907.2); short protein forms R223C.
Identifiers: ClinVar variation 1709121 (VCV001709121.3), dbSNP rs576734904, ClinGen allele CA2726440.